The following is an entry in ClinVar:

NM_000350.3(ABCA4):c.2919-2_2925del

Gene: ABCA4 (ATP binding cassette subfamily A member 4; minus strand). Cytogenetic location: 1p22.1.
Variant type: Deletion.
Coding change: c.2919-2_2925del on transcript NM_000350.3 (MANE Select); the canonical splice acceptor site of the intron before coding-DNA position 2919 through coding-DNA position 2925, 9 bases deleted (AGGTCCATC; older notation c.2919-2_2925delAGGTCCATC).
Molecular consequence: splice acceptor variant.
Genome position (GRCh38, 1-based): chr1:94,044,738-94,044,746, GATGGACCT deleted on the plus strand (AGGTCCATC on the coding strand, the reverse complement: ABCA4 is on the minus strand); deleting any 9 consecutive bases within chr1:94,044,738-94,044,747 gives the same sequence; the c. name uses the placement nearest the transcript's 3' end. VCF-style (leftmost placement, unchanged base first): chr1-94044737-GGATGGACCT-G. GRCh37 (hg19) VCF-style: chr1-94510293-GGATGGACCT-G.
Identifiers: ClinVar variation 2019833 (VCV002019833.4), dbSNP rs2523780433, ClinGen allele CA2580063345.

ClinVar aggregate classification (germline): Likely pathogenic (1 of 4 stars; one submission).

Submission:

Labcorp Genetics (formerly Invitae), Labcorp
Classification: Likely pathogenic. Last evaluated: 2024-12-02. Review status: criteria provided, single submitter. Criteria: Invitae Variant Classification Sherloc (09022015). Collection method: clinical testing. Allele origin: germline.
Comment: This variant results in the deletion of part of exon 20 (c.2919-2_2925del) of the ABCA4 gene. It is expected to disrupt RNA splicing. Variants that disrupt the donor or acceptor splice site typically lead to a loss of protein function (PMID: 16199547), and loss-of-function variants in ABCA4 are known to be pathogenic (PMID: 10958761, 24938718, 25312043, 26780318). This variant is not present in population databases (gnomAD no frequency). This variant has not been reported in the literature in individuals affected with ABCA4-related conditions. ClinVar contains an entry for this variant (Variation ID: 2019833). This variant disrupts a region of the ABCA4 protein in which other variant(s) (p.Ser974Pro) have been observed in individuals with ABCA4-related conditions (PMID: 25066811). This suggests that this is a clinically significant region of the protein, and that variants that disrupt it are likely to be disease-causing. In summary, the currently available evidence indicates that the variant is pathogenic, but additional data are needed to prove that conclusively. Therefore, this variant has been classified as Likely Pathogenic.

Literature cited by the submitters: PubMed 16199547; PubMed 10958761; PubMed 24938718; PubMed 25312043; PubMed 26780318; PubMed 25066811.